The following is an entry in ClinVar:

NC_000017.10:g.(?_42151521)_42160591dup

Gene: G6PC3 (glucose-6-phosphatase catalytic subunit 3; plus strand).
Variant type: Duplication.
Identifiers: ClinVar variation 1047860 (VCV001047860.2).

ClinVar aggregate classification (germline): Uncertain significance (1 of 4 stars; one submission).

Conditions:
Autosomal recessive severe congenital neutropenia due to G6PC3 deficiency. Also called: G6PC3 Deficiency; NEUTROPENIA, SEVERE CONGENITAL, 4, AUTOSOMAL RECESSIVE. Identifiers: Orphanet 331176, MedGen C2751630, MONDO:0012930, OMIM 612541.

Submission:

Labcorp Genetics (formerly Invitae), Labcorp
Classification: Uncertain significance for Autosomal recessive severe congenital neutropenia due to G6PC3 deficiency. Last evaluated: 2019-02-08. Review status: criteria provided, single submitter. Criteria: Invitae Variant Classification Sherloc (09022015). Collection method: clinical testing. Allele origin: germline.
Comment: This variant results in a copy number gain of the genomic region encompassing exons 2-6 of the G6PC3 gene. The 5' boundary is likely confined to intron 1. The 3' end of this event is unknown as it extends beyond the assayed region for this gene and therefore may encompass additional genes. As the precise location of this event is unknown, it may be in tandem or it may be located elsewhere in the genome. This variant has not been reported in the literature in individuals with G6PC3-related conditions. In summary, the available evidence is currently insufficient to determine the role of this variant in disease. Therefore, it has been classified as a Variant of Uncertain Significance.